The following is an entry in ClinVar:

ClinVar aggregate classification (germline): Likely benign. Review status: criteria provided, multiple submitters, no conflicts (2 of 4 stars). 2 submissions from 2 submitters: Likely benign (2). Last evaluated 2025-11-27.

Conditions:
Neuronal ceroid lipofuscinosis 7 (CLN7). Also called: MFSD8-Related Neuronal Ceroid-Lipofuscinosis. Identifiers: Orphanet 168491, Orphanet 228366, MedGen C1838571, MONDO:0012588, OMIM 610951.

Allele frequency attached by ClinVar (database versions not stated): gnomAD exomes 0.00002 and 0.00004; TOPMed 0.00003; ExAC 0.00004; gnomAD 0.00005; ESP Exome Variant Server 0.00008; 1000 Genomes Project 30x 0.00016.
gnomAD v4.1: 63 of 1,614,100 alleles (0.0039%); highest among the groups gnomAD compares: African/African-American, 0.008%; no homozygotes.

Submissions (2):

Labcorp Genetics (formerly Invitae), Labcorp
Classification: Likely benign for Neuronal ceroid lipofuscinosis 7. Last evaluated: 2025-11-27. Review status: criteria provided, single submitter. Criteria: Invitae Variant Classification Sherloc (09022015). Collection method: clinical testing. Allele origin: germline.

GeneDx
Classification: Likely benign. Last evaluated: 2016-05-31. Review status: criteria provided, single submitter. Criteria: GeneDx Variant Classification (06012015). Collection method: clinical testing. Allele origin: germline. Affected: yes.
Comment: This variant is considered likely benign or benign based on one or more of the following criteria: it is a conservative change, it occurs at a poorly conserved position in the protein, it is predicted to be benign by multiple in silico algorithms, and/or has population frequency not consistent with disease.

NM_001371596.2(MFSD8):c.342C>T (p.Ser114=)

Gene: MFSD8 (major facilitator superfamily domain containing 8; minus strand). Cytogenetic location: 4q28.2.
Variant type: single nucleotide variant.
Coding change: c.342C>T on transcript NM_001371596.2 (MANE Select); coding-DNA position 342, C replaced by T.
Protein change: p.Ser114=; no amino-acid change (serine 114 retained).
Molecular consequence: synonymous variant.
Genome position (GRCh38, 1-based): chr4:127,943,849, G>A on the plus strand (C>T on the coding strand, the complement: MFSD8 is on the minus strand). VCF-style: chr4-127943849-G-A. GRCh37 (hg19) VCF-style: chr4-128865004-G-A.
Other names: c.342C>T, p.Ser114= (NM_001363520.3, NM_001363521.3, NM_001371591.2 and 5 more transcripts); c.207C>T, p.Ser69= (NM_001371590.2, NM_001371595.1, NM_001410765.1).
Identifiers: ClinVar variation 380257 (VCV000380257.12), dbSNP rs201905099, ClinGen allele CA3077498.